The following is an entry in ClinVar:

ClinVar aggregate classification (germline): Uncertain significance (1 of 4 stars; one submission).

Submission:

Labcorp Genetics (formerly Invitae), Labcorp
Classification: Uncertain significance. Last evaluated: 2022-01-01. Review status: criteria provided, single submitter. Criteria: Invitae Variant Classification Sherloc (09022015). Collection method: clinical testing. Allele origin: germline.
Comment: This variant results in a copy number gain of the genomic region encompassing exon(s) 7-11 of the PIAS1 gene. While the exact position of this variant cannot be determined from the data, sub-genic copy number gains are generally in tandem (PMID: 25640679). This variant is predicted to be out-of-frame, and may result in an absent or disrupted protein product. However, the current clinical and genetic evidence is not sufficient to establish whether loss-of-function variants in PIAS1 cause disease. This variant has not been reported in the literature in individuals affected with PIAS1-related conditions. In summary, the available evidence is currently insufficient to determine the role of this variant in disease. Therefore, it has been classified as a Variant of Uncertain Significance.

Literature cited by the submitters: PubMed 25640679.

NC_000015.9:g.(?_68445908)_(68469012_?)dup

Gene: PIAS1 (protein inhibitor of activated STAT 1; plus strand). Cytogenetic location: 15q23.
Variant type: Duplication.
Identifiers: ClinVar variation 2426275 (VCV002426275.4).